The following is an entry in ClinVar:

NM_001206999.2(CIT):c.4405C>T (p.Arg1469Cys)

Gene: CIT (citron rho-interacting serine/threonine kinase; minus strand). Cytogenetic location: 12q24.23.
Variant type: single nucleotide variant.
Coding change: c.4405C>T on transcript NM_001206999.2 (MANE Select); coding-DNA position 4405, C replaced by T.
Protein change: p.Arg1469Cys; replaces arginine 1469 with cysteine.
Molecular consequence: missense variant.
Genome position (GRCh38, 1-based): chr12:119,713,550, G>A on the plus strand (C>T on the coding strand, the complement: CIT is on the minus strand). VCF-style: chr12-119713550-G-A. GRCh37 (hg19) VCF-style: chr12-120151355-G-A.
Other names: c.4279C>T, p.Arg1427Cys (NM_007174.3); c.4405C>T (NM_001206999.1); short protein forms R1469C, R1427C.
Identifiers: ClinVar variation 2173062 (VCV002173062.3), dbSNP rs188731838, ClinGen allele CA6821221.
Genomic context (GRCh38, chr12:119,713,550, plus strand): 5'-CCAGGTGCAAGCTGCTGCTGGGCTCCTTGGTCTGGAGACCTGGGGAGTTCATTTTGTCAC[G>A]GCAGAAGGCCTCGGTGAAGTGTGTGGCATATTCAGCAGGCAAGCCGCAGGTGGCTGGCAA-3'
Protein context (NP_001193928.1, residues 1459-1479): YATHFTEAFC[Arg1469Cys]DKMNSPGLQT

ClinVar aggregate classification (germline): Uncertain significance. Review status: criteria provided, multiple submitters, no conflicts (2 of 4 stars). 2 submissions from 2 submitters: Uncertain significance (2). Last evaluated 2023-12-11.

Conditions:
Inborn genetic diseases. Identifiers: MedGen C0950123, MeSH D030342.

Allele frequency attached by ClinVar (database versions not stated): ExAC 0.00012; gnomAD exomes 0.00013; gnomAD 0.00015; 1000 Genomes Project 0.00020; TOPMed 0.00025; 1000 Genomes Project 30x 0.00031.
gnomAD v4.1: 219 of 1,614,202 alleles (0.014%); highest among the groups gnomAD compares: Middle Eastern, 0.13%; no homozygotes.

Submissions (2):

Labcorp Genetics (formerly Invitae), Labcorp
Classification: Uncertain significance. Last evaluated: 2023-12-11. Review status: criteria provided, single submitter. Criteria: Invitae Variant Classification Sherloc (09022015). Collection method: clinical testing. Allele origin: germline.
Comment: This sequence change replaces arginine, which is basic and polar, with cysteine, which is neutral and slightly polar, at codon 1469 of the CIT protein (p.Arg1469Cys). This variant is present in population databases (rs188731838, gnomAD 0.03%). This variant has not been reported in the literature in individuals affected with CIT-related conditions. ClinVar contains an entry for this variant (Variation ID: 2173062). An algorithm developed to predict the effect of missense changes on protein structure and function (PolyPhen-2) suggests that this variant is likely to be disruptive. In summary, the available evidence is currently insufficient to determine the role of this variant in disease. Therefore, it has been classified as a Variant of Uncertain Significance.

Ambry Genetics
Classification: Uncertain significance for Inborn genetic diseases. Last evaluated: 2021-07-15. Review status: criteria provided, single submitter. Criteria: Ambry Variant Classification Scheme 2023. Collection method: clinical testing. Allele origin: germline.